The following is an entry in ClinVar:

ClinVar aggregate classification (germline): Benign/Likely benign. Review status: criteria provided, multiple submitters, no conflicts (2 of 4 stars). 2 submissions from 2 submitters: Benign (1); Likely benign (1). Last evaluated 2022-04-01.

Allele frequency attached by ClinVar (database versions not stated): 1000 Genomes Project 30x 0.00062; 1000 Genomes Project 0.00080; TOPMed 0.00138; ExAC 0.00167; gnomAD 0.00167 and 0.00170; gnomAD exomes 0.00169 and 0.00231; ESP Exome Variant Server 0.00177.
gnomAD v4.1: 3,576 of 1,613,262 alleles (0.22%); highest among the groups gnomAD compares: Non-Finnish European, 0.26%; 6 homozygotes.

Submissions (2):

CeGaT Center for Human Genetics Tuebingen
Classification: Likely benign. Last evaluated: 2022-04-01. Review status: criteria provided, single submitter. Criteria: CeGaT Center For Human Genetics Tuebingen Variant Classification Criteria Version 2. Collection method: clinical testing. Allele origin: germline. Affected: yes. Observed: 1 variant allele.
Comment: GAB2: BP4, BP7

Labcorp Genetics (formerly Invitae), Labcorp
Classification: Benign. Last evaluated: 2018-05-31. Review status: criteria provided, single submitter. Criteria: Invitae Variant Classification Sherloc (09022015). Collection method: clinical testing. Allele origin: germline.

NM_080491.3(GAB2):c.2022C>T (p.Ala674=)

Genes: USP35 (ubiquitin specific peptidase 35; plus strand), GAB2 (GRB2 associated binding protein 2; minus strand). Cytogenetic location: 11q14.1.
Variant type: single nucleotide variant.
Coding change: c.2022C>T on transcript NM_080491.3 (MANE Select); coding-DNA position 2022, C replaced by T.
Protein change: p.Ala674=; no amino-acid change (alanine 674 retained).
Molecular consequence: synonymous variant.
Genome position (GRCh38, 1-based): chr11:78,219,281, G>A on the plus strand (C>T on the coding strand, the complement: GAB2 is on the minus strand). VCF-style: chr11-78219281-G-A. GRCh37 (hg19) VCF-style: chr11-77930327-G-A.
Other names: c.1908C>T, p.Ala636= (NM_012296.4).
Identifiers: ClinVar variation 713425 (VCV000713425.27), dbSNP rs138587090, ClinGen allele CA6204804.